The following is an entry in ClinVar:

NM_000255.4(MMUT):c.692dup (p.Tyr231Ter)

Gene: MMUT (methylmalonyl-CoA mutase; minus strand). Cytogenetic location: 6p12.3.
Variant type: Duplication.
Coding change: c.692dup on transcript NM_000255.4 (MANE Select); coding-DNA position 692, one base duplicated (A; older notation c.692dupA).
Protein change: p.Tyr231Ter; replaces tyrosine 231 with a stop codon.
Molecular consequence: nonsense.
Genome position (GRCh38, 1-based): chr6:49,457,752, T duplicated on the plus strand (A on the coding strand, the reverse complement: MMUT is on the minus strand). VCF-style (leftmost placement, unchanged base first): chr6-49457751-G-GT. GRCh37 (hg19) VCF-style: chr6-49425464-G-GT.
Other names: short protein forms Y231*.
Identifiers: ClinVar variation 222919 (VCV000222919.3), dbSNP rs747777227, ClinGen allele CA3847068.
Genomic context (GRCh38, chr6:49,457,751, plus strand): 5'-CTTTGCTGTATATTCAAATATGTCAGCAATAATTTTCATGGATGGTTCTGGAGGAAAAAT[G>GT]TATGTATTTCGAACCATAAATTCCTTTAGTATATCATTTTGGATGGTACCAGTAAGCTTC-3'

ClinVar aggregate classification (germline): Pathogenic. Review status: criteria provided, multiple submitters, no conflicts (2 of 4 stars). 2 submissions from 2 submitters: Pathogenic (2). Last evaluated 2026-02-09.

Conditions:
Methylmalonic aciduria due to methylmalonyl-CoA mutase deficiency (MAMM). Also called: Methylmalonic aciduria, mut type. Identifiers: Orphanet 27, MedGen C1855114, MONDO:0009612, OMIM 251000.

Allele frequency attached by ClinVar (database versions not stated): gnomAD below 0.00001 and 0.00001; gnomAD exomes below 0.00001 and 0.00001; ExAC 0.00002.

Submissions (2):

Myriad Genetics, Inc.
Classification: Pathogenic for Methylmalonic aciduria due to methylmalonyl-CoA mutase deficiency. Last evaluated: 2026-02-09. Review status: criteria provided, single submitter. Criteria: Myriad Autosomal Dominant, Autosomal Recessive and X-Linked Classification Criteria (2023). Collection method: clinical testing. Allele origin: unknown.
Comment: NM_000255.3(MMUT):c.692dupA(Y231*) is a nonsense variant classified as pathogenic in the context of methylmalonic acidemia, MMUT-related. Y231* has been observed in a case with relevant disease (PMID: 31260114). Relevant functional assessments of this variant are not available in the literature. Y231* has been observed in referenced population frequency databases. In summary, NM_000255.3(MMUT):c.692dupA(Y231*) is a nonsense variant in a gene where loss of function is a known mechanism of disease, is predicted to disrupt protein function, and has been observed more frequently in cases with the relevant disease than in healthy populations. Please note: this variant was assessed in the context of healthy population screening.

University Children's Hospital, University of Zurich
Classification: Pathogenic for Methylmalonic aciduria due to methylmalonyl-CoA mutase deficiency. Review status: criteria provided, single submitter. Criteria: Forny et al. (Hum Mutat. 2016). Collection method: clinical testing. Allele origin: germline. Inheritance: Autosomal recessive inheritance. Affected: yes.

Literature cited by the submitters: PubMed 31260114 (cited by Myriad Genetics, Inc.); PubMed 25736335 (cited by University Children's Hospital, University of Zurich).